The following is an entry in ClinVar:

ClinVar aggregate classification (germline): Uncertain significance. Review status: criteria provided, multiple submitters, no conflicts (2 of 4 stars). 2 submissions from 2 submitters: Uncertain significance (2). Last evaluated 2024-09-02.

Allele frequency attached by ClinVar (database versions not stated): ExAC 0.00002; gnomAD 0.00003; TOPMed 0.00003; ESP Exome Variant Server 0.00008.
gnomAD v4.1: 105 of 1,613,098 alleles (0.0065%); highest among the groups gnomAD compares: Non-Finnish European, 0.0085%; no homozygotes.

Submissions (2):

Ambry Genetics
Classification: Uncertain significance. Last evaluated: 2024-09-02. Review status: criteria provided, single submitter. Criteria: Ambry Variant Classification Scheme 2023. Collection method: clinical testing. Allele origin: germline.

Labcorp Genetics (formerly Invitae), Labcorp
Classification: Uncertain significance. Last evaluated: 2023-09-25. Review status: criteria provided, single submitter. Criteria: Invitae Variant Classification Sherloc (09022015). Collection method: clinical testing. Allele origin: germline.
Comment: This sequence change replaces proline, which is neutral and non-polar, with leucine, which is neutral and non-polar, at codon 427 of the SLC19A1 protein (p.Pro427Leu). This variant is present in population databases (rs151246436, gnomAD 0.01%). This variant has not been reported in the literature in individuals affected with SLC19A1-related conditions. An algorithm developed to predict the effect of missense changes on protein structure and function (PolyPhen-2) suggests that this variant is likely to be tolerated. In summary, the available evidence is currently insufficient to determine the role of this variant in disease. Therefore, it has been classified as a Variant of Uncertain Significance.

NM_194255.4(SLC19A1):c.1280C>T (p.Pro427Leu)

Gene: SLC19A1 (solute carrier family 19 member 1; minus strand). Cytogenetic location: 21q22.3.
Variant type: single nucleotide variant.
Coding change: c.1280C>T on transcript NM_194255.4 (MANE Select); coding-DNA position 1280, C replaced by T.
Protein change: p.Pro427Leu; replaces proline 427 with leucine.
Molecular consequence: missense variant.
Genome position (GRCh38, 1-based): chr21:45,525,830, G>A on the plus strand (C>T on the coding strand, the complement: SLC19A1 is on the minus strand). VCF-style: chr21-45525830-G-A. GRCh37 (hg19) VCF-style: chr21-46945744-G-A.
Other names: c.1280C>T (NM_194255.2); c.1280C>T, p.Pro427Leu (NM_001205206.4, NM_001352511.3, NM_001352512.2); c.1160C>T, p.Pro387Leu (NM_001205207.3); c.926C>T, p.Pro309Leu (NM_001352510.2); short protein forms P309L, P427L, P387L.
Identifiers: ClinVar variation 2960658 (VCV002960658.4), dbSNP rs151246436, ClinGen allele CA10068350.